The following is an entry in ClinVar:

NM_001211.6(BUB1B):c.3010A>G (p.Asn1004Asp)

Genes: BUB1B (BUB1 mitotic checkpoint serine/threonine kinase B; plus strand), BUB1B-PAK6 (BUB1B-PAK6 readthrough; plus strand). Cytogenetic location: 15q15.1.
Variant type: single nucleotide variant.
Coding change: c.3010A>G on transcript NM_001211.6 (MANE Select); coding-DNA position 3010, A replaced by G.
Protein change: p.Asn1004Asp; replaces asparagine 1004 with aspartic acid.
Molecular consequence: missense variant. On other transcripts: intron variant (2).
Genome position (GRCh38, 1-based): chr15:40,220,616, A>G. VCF-style: chr15-40220616-A-G. GRCh37 (hg19) VCF-style: chr15-40512817-A-G.
Other names: c.-201+2949A>G (NM_001128628.3); c.-118+2949A>G (NM_001128629.3); short protein forms N1004D.
Identifiers: ClinVar variation 3993726 (VCV003993726.1).
Genomic context (GRCh38, chr15:40,220,616, plus strand): 5'-ATTTTTAGGCTAAAAGATGGTGAATTGTGGAATAAATTCTTTGTGCGGATTCTGAATGCC[A>G]ATGATGAGGCCACAGTGTCTGTTCTTGGGGAGCTTGCAGCAGAAATGAATGGGGTTTTTG-3'
Protein context (NP_001202.5, residues 994-1014): NKFFVRILNA[Asn1004Asp]DEATVSVLGE

ClinVar aggregate classification (germline): Uncertain significance (1 of 4 stars; one submission).

Conditions:
Inborn genetic diseases. Identifiers: MedGen C0950123, MeSH D030342.

Submission:

Ambry Genetics
Classification: Uncertain significance for Inborn genetic diseases. Last evaluated: 2025-05-19. Review status: criteria provided, single submitter. Criteria: Ambry Variant Classification Scheme 2023. Collection method: clinical testing. Allele origin: germline.
Comment: The p.N1004D variant (also known as c.3010A>G), located in coding exon 23 of the BUB1B gene, results from an A to G substitution at nucleotide position 3010. The asparagine at codon 1004 is replaced by aspartic acid, an amino acid with highly similar properties. This amino acid position is conserved. In addition, this alteration is predicted to be tolerated by in silico analysis. Based on the available evidence, the clinical significance of this variant remains unclear.